The following is an entry in ClinVar:

ClinVar aggregate classification (germline): Pathogenic (0 of 4 stars; one submission).

Conditions:
CUL3-related disorder. Also called: CUL3-related disorders; CUL3-related condition.

Submission:

PreventionGenetics, part of Exact Sciences
Classification: Pathogenic for CUL3-related condition. Last evaluated: 2024-02-03. Review status: no assertion criteria provided. Collection method: clinical testing. Allele origin: germline.
Comment: The CUL3 c.1351G>T variant is predicted to result in premature protein termination (p.Glu451*). To our knowledge, this variant has not been reported in the literature or in a large population database, indicating this variant is rare. Nonsense variants in CUL3 are expected to be pathogenic. This variant is interpreted as pathogenic.

NM_003590.5(CUL3):c.1351G>T (p.Glu451Ter)

Gene: CUL3 (cullin 3; minus strand). Cytogenetic location: 2q36.2.
Variant type: single nucleotide variant.
Coding change: c.1351G>T on transcript NM_003590.5 (MANE Select); coding-DNA position 1351, G replaced by T.
Protein change: p.Glu451Ter; replaces glutamic acid 451 with a stop codon.
Molecular consequence: nonsense.
Genome position (GRCh38, 1-based): chr2:224,503,678, C>A on the plus strand (G>T on the coding strand, the complement: CUL3 is on the minus strand). VCF-style: chr2-224503678-C-A. GRCh37 (hg19) VCF-style: chr2-225368395-C-A.
Other names: c.1153G>T, p.Glu385Ter (NM_001257197.2); c.1369G>T, p.Glu457Ter (NM_001257198.2); short protein forms E385*, E451*, E457*.
Identifiers: ClinVar variation 3061284 (VCV003061284.2), dbSNP rs2106196612, ClinGen allele CA350826997.